The following is an entry in ClinVar:

NM_031889.3(ENAM):c.1025G>A (p.Gly342Glu)

Gene: ENAM (enamelin; plus strand). Cytogenetic location: 4q13.3.
Variant type: single nucleotide variant.
Coding change: c.1025G>A on transcript NM_031889.3 (MANE Select); coding-DNA position 1025, G replaced by A.
Protein change: p.Gly342Glu; replaces glycine 342 with glutamic acid.
Molecular consequence: missense variant.
Genome position (GRCh38, 1-based): chr4:70,642,451, G>A. VCF-style: chr4-70642451-G-A. GRCh37 (hg19) VCF-style: chr4-71508168-G-A.
Other names: c.371G>A, p.Gly124Glu (NM_001368133.1); short protein forms G124E, G342E.
Identifiers: ClinVar variation 3029958 (VCV003029958.2), dbSNP rs374039390, ClinGen allele CA2952052.

ClinVar aggregate classification (germline): Uncertain significance (0 of 4 stars; one submission).

Conditions:
ENAM-related disorder. Also called: ENAM-related condition.

Allele frequency attached by ClinVar (database versions not stated): ExAC 0.00001; gnomAD exomes 0.00001; TOPMed 0.00001; ESP Exome Variant Server 0.00008.
gnomAD v4.1: 22 of 1,613,964 alleles (0.0014%); highest among the groups gnomAD compares: Non-Finnish European, 0.0017%; no homozygotes.

Submission:

PreventionGenetics, part of Exact Sciences
Classification: Uncertain significance for ENAM-related condition. Last evaluated: 2024-02-19. Review status: no assertion criteria provided. Collection method: clinical testing. Allele origin: germline.
Comment: The ENAM c.1025G>A variant is predicted to result in the amino acid substitution p.Gly342Glu. To our knowledge, this variant has not been reported in the literature. This variant is reported in 0.0018% of alleles in individuals of European (Non-Finnish) descent in gnomAD. At this time, the clinical significance of this variant is uncertain due to the absence of conclusive functional and genetic evidence.